The following is an entry in ClinVar:

ClinVar aggregate classification (germline): Uncertain significance (1 of 4 stars; one submission).

gnomAD v4.1: 9 of 1,614,208 alleles (0.00056%); highest among the groups gnomAD compares: Non-Finnish European, 0.00076%; no homozygotes.

Submission:

Labcorp Genetics (formerly Invitae), Labcorp
Classification: Uncertain significance. Last evaluated: 2024-03-01. Review status: criteria provided, single submitter. Criteria: Invitae Variant Classification Sherloc (09022015). Collection method: clinical testing. Allele origin: germline.
Comment: This sequence change replaces histidine, which is basic and polar, with arginine, which is basic and polar, at codon 716 of the CEP97 protein (p.His716Arg). This variant is present in population databases (no rsID available, gnomAD 0.0009%). This variant has not been reported in the literature in individuals affected with CEP97-related conditions. Advanced modeling of protein sequence and biophysical properties (such as structural, functional, and spatial information, amino acid conservation, physicochemical variation, residue mobility, and thermodynamic stability) performed at Invitae indicates that this missense variant is not expected to disrupt CEP97 protein function with a negative predictive value of 80%. In summary, the available evidence is currently insufficient to determine the role of this variant in disease. Therefore, it has been classified as a Variant of Uncertain Significance.

NM_024548.4(CEP97):c.2147A>G (p.His716Arg)

Gene: CEP97 (centrosomal protein 97; plus strand). Cytogenetic location: 3q12.3.
Variant type: single nucleotide variant.
Coding change: c.2147A>G on transcript NM_024548.4 (MANE Select); coding-DNA position 2147, A replaced by G.
Protein change: p.His716Arg; replaces histidine 716 with arginine.
Molecular consequence: missense variant.
Genome position (GRCh38, 1-based): chr3:101,765,100, A>G. VCF-style: chr3-101765100-A-G. GRCh37 (hg19) VCF-style: chr3-101483944-A-G.
Other names: c.1970A>G, p.His657Arg (NM_001303401.2); c.2045A>G, p.His682Arg (NM_001410784.1); c.1868A>G, p.His623Arg (NM_001410785.1); short protein forms H623R, H657R, H682R, H716R.
Identifiers: ClinVar variation 3610673 (VCV003610673.2).
Genomic context (GRCh38, chr3:101,765,100, plus strand): 5'-CAGAATTTCCAGACTCTGGTTTTCATTCCTCTCTAACAGAACAAGTTCATTCATTGCAGC[A>G]TTCTTTGGATTTTGAGAAAAGTTCCACAGAAGGCAGTGAAAGCTCCATAATGGGGAATTC-3'
Protein context (NP_078824.2, residues 706-726): SLTEQVHSLQ[His716Arg]SLDFEKSSTE